The following is an entry in ClinVar:

ClinVar aggregate classification (germline): Uncertain significance (1 of 4 stars; one submission).

Allele frequency attached by ClinVar (database versions not stated): TOPMed below 0.00001.

Submission:

Labcorp Genetics (formerly Invitae), Labcorp
Classification: Uncertain significance. Last evaluated: 2022-08-19. Review status: criteria provided, single submitter. Criteria: Invitae Variant Classification Sherloc (09022015). Collection method: clinical testing. Allele origin: germline.
Comment: In summary, the available evidence is currently insufficient to determine the role of this variant in disease. Therefore, it has been classified as a Variant of Uncertain Significance. Advanced modeling of protein sequence and biophysical properties (such as structural, functional, and spatial information, amino acid conservation, physicochemical variation, residue mobility, and thermodynamic stability) performed at Invitae indicates that this missense variant is not expected to disrupt NALCN protein function. This variant has not been reported in the literature in individuals affected with NALCN-related conditions. This variant is not present in population databases (gnomAD no frequency). This sequence change replaces glutamic acid, which is acidic and polar, with lysine, which is basic and polar, at codon 275 of the NALCN protein (p.Glu275Lys).

NM_052867.4(NALCN):c.823G>A (p.Glu275Lys)

Gene: NALCN (sodium leak channel, non-selective; minus strand). Cytogenetic location: 13q33.1.
Variant type: single nucleotide variant.
Coding change: c.823G>A on transcript NM_052867.4 (MANE Select); coding-DNA position 823, G replaced by A.
Protein change: p.Glu275Lys; replaces glutamic acid 275 with lysine.
Molecular consequence: missense variant.
Genome position (GRCh38, 1-based): chr13:101,292,343, C>T on the plus strand (G>A on the coding strand, the complement: NALCN is on the minus strand). VCF-style: chr13-101292343-C-T. GRCh37 (hg19) VCF-style: chr13-101944694-C-T.
Other names: c.823G>A, p.Glu275Lys (NM_001350748.2, NM_001350749.2, NM_001350750.2 and 1 more transcripts); short protein forms E275K.
Identifiers: ClinVar variation 1921742 (VCV001921742.5), dbSNP rs2043585499, ClinGen allele CA388705148.